The following is an entry in ClinVar:

ClinVar aggregate classification (germline): Conflicting classifications of pathogenicity. Review status: criteria provided, conflicting classifications (1 of 4 stars). 2 submissions from 2 submitters: Uncertain significance (1); Likely benign (1). Last evaluated 2018-01-12.

Conditions:
Landau-Kleffner syndrome (FESD). Also called: EPILEPSY, FOCAL, WITH SPEECH DISORDER AND WITH OR WITHOUT MENTAL RETARDATION; APHASIA, ACQUIRED, WITH EPILEPSY. Identifiers: Orphanet 1945, Orphanet 725, Orphanet 98818, MedGen C0282512, MONDO:0009509, OMIM 245570.

Submissions (2):

Illumina Laboratory Services, Illumina
Classification: Uncertain significance for Landau-Kleffner syndrome. Last evaluated: 2018-01-12. Review status: criteria provided, single submitter. Criteria: ICSL Variant Classification Criteria 13 December 2019. Collection method: clinical testing. Allele origin: germline.

GeneDx
Classification: Likely benign. Last evaluated: 2016-10-25. Review status: criteria provided, single submitter. Criteria: GeneDx Variant Classification (06012015). Collection method: clinical testing. Allele origin: germline. Affected: yes.
Comment: This variant is considered likely benign or benign based on one or more of the following criteria: it is a conservative change, it occurs at a poorly conserved position in the protein, it is predicted to be benign by multiple in silico algorithms, and/or has population frequency not consistent with disease.

NM_001134407.3(GRIN2A):c.-34C>G

Gene: GRIN2A (glutamate ionotropic receptor NMDA type subunit 2A; minus strand). Cytogenetic location: 16p13.2.
Variant type: single nucleotide variant.
Coding change: c.-34C>G on transcript NM_001134407.3 (MANE Select); 34 bases upstream of the start codon, C replaced by G.
Molecular consequence: 5 prime UTR variant.
Genome position (GRCh38, 1-based): chr16:10,181,892, G>C on the plus strand (C>G on the coding strand, the complement: GRIN2A is on the minus strand). VCF-style: chr16-10181892-G-C. GRCh37 (hg19) VCF-style: chr16-10275749-G-C.
Other names: c.-34C>G (NM_000833.5, NM_001134408.2).
Identifiers: ClinVar variation 317670 (VCV000317670.5), dbSNP rs564039694, ClinGen allele CA10647697.
Genomic context (GRCh38, chr16:10,181,892, plus strand): 5'-CCTCCTCCCCGGCCCAAGGAGCCCTGATCTCCCTCTGGGACGTACCTGTAGCCCGAGAAG[G>C]TCGAGGATGCAGTGGGGCGCGCTGCGCGCACGAGCATCTCGGCCGCCTCAGCAGCCACCG-3'